The following is an entry in ClinVar:

NM_015466.4(PTPN23):c.3902G>A (p.Arg1301His)

Gene: PTPN23 (protein tyrosine phosphatase non-receptor type 23; plus strand). Cytogenetic location: 3p21.31.
Variant type: single nucleotide variant.
Coding change: c.3902G>A on transcript NM_015466.4 (MANE Select); coding-DNA position 3902, G replaced by A.
Protein change: p.Arg1301His; replaces arginine 1301 with histidine.
Molecular consequence: missense variant.
Genome position (GRCh38, 1-based): chr3:47,411,796, G>A. VCF-style: chr3-47411796-G-A. GRCh37 (hg19) VCF-style: chr3-47453286-G-A.
Other names: c.3524G>A, p.Arg1175His (NM_001304482.2); short protein forms R1175H, R1301H.
Identifiers: ClinVar variation 1432931 (VCV001432931.6), dbSNP rs573090718, ClinGen allele CA2366400.
Genomic context (GRCh38, chr3:47,411,796, plus strand): 5'-AGGGGATCCTGGAAAACCAGGTCTGTCTTGGCTTATCTGTCCCTCAGCAAAAAGTGGCAC[G>A]CTACTTCCCCACCGAGAGGGGCCAGCCCATGGTGCACGGTGCCCTGAGCCTGGCATTGAG-3'
Protein context (NP_056281.1, residues 1291-1311): EAEMEKQKVA[Arg1301His]YFPTERGQPM

ClinVar aggregate classification (germline): Uncertain significance. Review status: criteria provided, multiple submitters, no conflicts (2 of 4 stars). 2 submissions from 2 submitters: Uncertain significance (2). Last evaluated 2022-07-31.

Allele frequency attached by ClinVar (database versions not stated): ExAC 0.00001; gnomAD 0.00001 and 0.00003; gnomAD exomes 0.00001 and 0.00002; TOPMed 0.00002; 1000 Genomes Project 30x 0.00016; 1000 Genomes Project 0.00020.

Submissions (2):

Labcorp Genetics (formerly Invitae), Labcorp
Classification: Uncertain significance. Last evaluated: 2022-07-31. Review status: criteria provided, single submitter. Criteria: Invitae Variant Classification Sherloc (09022015). Collection method: clinical testing. Allele origin: germline.
Comment: This sequence change replaces arginine, which is basic and polar, with histidine, which is basic and polar, at codon 1301 of the PTPN23 protein (p.Arg1301His). This variant is present in population databases (rs573090718, gnomAD 0.01%). This variant has not been reported in the literature in individuals affected with PTPN23-related conditions. ClinVar contains an entry for this variant (Variation ID: 1432931). Algorithms developed to predict the effect of missense changes on protein structure and function are either unavailable or do not agree on the potential impact of this missense change (SIFT: "Tolerated"; PolyPhen-2: "Possibly Damaging"; Align-GVGD: "Class C0"). In summary, the available evidence is currently insufficient to determine the role of this variant in disease. Therefore, it has been classified as a Variant of Uncertain Significance.

Blueprint Genetics
Classification: Uncertain significance. Last evaluated: 2021-11-10. Review status: criteria provided, single submitter. Criteria: ACMG Guidelines, 2015. Collection method: clinical testing. Allele origin: germline.